The following is an entry in ClinVar:

ClinVar aggregate classification (germline): Uncertain significance. Review status: criteria provided, multiple submitters, no conflicts (2 of 4 stars). 2 submissions from 2 submitters: Uncertain significance (2). Last evaluated 2025-05-28.

Conditions:
RP1L1-related disorder. Also called: RP1L1-related condition.

gnomAD v4.1: 92 of 1,614,080 alleles (0.0057%); highest among the groups gnomAD compares: Non-Finnish European, 0.0075%; no homozygotes.

Submissions (2):

PreventionGenetics, part of Exact Sciences
Classification: Uncertain significance for RP1L1-related condition. Last evaluated: 2025-05-28. Review status: criteria provided, single submitter. Criteria: ACMG Guidelines, 2015. Collection method: clinical testing. Allele origin: germline.
Comment: The RP1L1 c.5426G>C variant is predicted to result in the amino acid substitution p.Gly1809Ala. To our knowledge, this variant has not been reported in the literature. This variant is present in 0.0044% of alleles in individuals of European (Non-Finnish) descent in gnomAD. At this time, the clinical significance of this variant is uncertain due to the absence of conclusive functional and genetic evidence.

Blueprint Genetics
Classification: Uncertain significance. Last evaluated: 2022-09-13. Review status: criteria provided, single submitter. Criteria: ACMG Guidelines, 2015. Collection method: clinical testing. Allele origin: germline.

NM_178857.6(RP1L1):c.5426G>C (p.Gly1809Ala)

Gene: RP1L1 (RP1 like 1). Cytogenetic location: 8p23.1.
Variant type: single nucleotide variant.
Coding change: c.5426G>C on transcript NM_178857.6 (MANE Select); coding-DNA position 5426, G replaced by C.
Protein change: p.Gly1809Ala; replaces glycine 1809 with alanine.
Molecular consequence: missense variant.
Genome position (GRCh38, 1-based): chr8:10,608,672, C>G on the plus strand (G>C on the coding strand, the complement: RP1L1 is on the minus strand). VCF-style: chr8-10608672-C-G. GRCh37 (hg19) VCF-style: chr8-10466182-C-G.
Other names: c.5426G>C (NM_178857.5); short protein forms G1809A.
Identifiers: ClinVar variation 4898972 (VCV004898972.2).
Genomic context (GRCh38, chr8:10,608,672, plus strand): 5'-CTCTGTCCTGGATCTTGGTCACCTCCTGCCGCAGCTTCACCCTGCAAGTTGTCCTCATGC[C>G]CAGAGCCTTGACCCCCAGTTTCTCCCCTTTCACTTATGCCCTCTCCCTCCTGCTCAGCTT-3'
Protein context (NP_849188.4, residues 1799-1819): ERGETGGQGS[Gly1809Ala]HEDNLQGEAA